The following is an entry in ClinVar:

ClinVar aggregate classification (germline): Likely pathogenic (1 of 4 stars; one submission).

Conditions:
Hearing loss, autosomal dominant 74. Also called: DEAFNESS, AUTOSOMAL DOMINANT 74. Identifiers: MedGen C4748334, MONDO:0029137, OMIM 618140.

Allele frequency attached by ClinVar (database versions not stated): gnomAD exomes below 0.00001.
gnomAD v4.1: 1 of 1,612,782 alleles (0.000062%); highest among the groups gnomAD compares: Non-Finnish European, 0.000085%; no homozygotes.

Submission:

Laboratory of Prof. Karen Avraham, Tel Aviv University
Classification: Likely pathogenic for Hearing loss, autosomal dominant 74. Last evaluated: 2024-06-05. Review status: criteria provided, single submitter. Criteria: ACMG Guidelines, 2015. Collection method: research. Allele origin: germline. Affected: yes. Observed: 1 variant allele.
Comment: A very rare nonsense variant in a known dominant deafness gene

DFNA74; sloping audiogram mild-to-profound HL

NM_001191057.4(PDE1C):c.1900C>T (p.Gln634Ter)

Gene: PDE1C (phosphodiesterase 1C; minus strand). Cytogenetic location: 7p14.3.
Variant type: single nucleotide variant.
Coding change: c.1900C>T on transcript NM_001191057.4 (MANE Select); coding-DNA position 1900, C replaced by T.
Protein change: p.Gln634Ter; replaces glutamine 634 with a stop codon.
Molecular consequence: nonsense.
Genome position (GRCh38, 1-based): chr7:31,775,724, G>A on the plus strand (C>T on the coding strand, the complement: PDE1C is on the minus strand). VCF-style: chr7-31775724-G-A. GRCh37 (hg19) VCF-style: chr7-31815338-G-A.
Other names: c.2080C>T, p.Gln694Ter (NM_001191058.4); c.1900C>T, p.Gln634Ter (NM_001191059.4, NM_001322055.2); short protein forms Q634*, Q694*.
Identifiers: ClinVar variation 3250393 (VCV003250393.1), dbSNP rs2534865414.